The following is an entry in ClinVar:

ClinVar aggregate classification (germline): Uncertain significance. Review status: criteria provided, single submitter (1 of 4 stars). 3 submissions from 3 submitters: Uncertain significance (1). 2 of the submissions do not count toward it. Last evaluated 2020-06-03.

Conditions:
Congenital disorder of glycosylation (CDG). Also called: Congenital disorders of glycosylation; Carbohydrate-deficient glycoprotein syndrome. Identifiers: Orphanet 137, MedGen C0282577, MONDO:0015286.
Hypotonia. Also called: Muscular hypotonia; poor muscle tone. Identifiers: MedGen C0026827, HP:0001252.
Neurodevelopmental delay. Identifiers: MedGen C4022738, HP:0012758.
Seizure. Also called: Seizures. Identifiers: MedGen C0036572, HP:0001250.

Submissions (3):

GeneDx
Classification: Uncertain significance. Last evaluated: 2020-06-03. Review status: criteria provided, single submitter. Criteria: GeneDx Variant Classification Process June 2021. Collection method: clinical testing. Allele origin: germline. Affected: yes.
Comment: Not observed in large population cohorts (Lek et al., 2016); In silico analysis supports that this missense variant has a deleterious effect on protein structure/function; This variant is associated with the following publications: (PMID: 32681751)

Yale Center for Mendelian Genomics, Yale University
Classification: Likely pathogenic for Neurodevelopmental delay; Seizure; Hypotonia. Last evaluated: 2021-03-18. Review status: no assertion criteria provided. Collection method: literature only. Allele origin: de novo. Affected: yes. Observed: 1 hemizygote. Study: Yale Center for Mendelian Genomics. Not counted in ClinVar's aggregate classification.

University of Washington Center for Mendelian Genomics, University of Washington
Classification: Likely pathogenic for congenital disorders of glycosylation. Review status: no assertion criteria provided. Collection method: research. Allele origin: de novo. Affected: yes. Not counted in ClinVar's aggregate classification.

Literature cited by the submitters: PubMed 33734437 (cited by Yale Center for Mendelian Genomics, Yale University); PubMed 32681751 (cited by University of Washington Center for Mendelian Genomics, University of Washington).

NM_001099922.3(ALG13):c.2915G>T (p.Gly972Val)

Gene: ALG13 (ALG13 UDP-N-acetylglucosaminyltransferase subunit; plus strand). Cytogenetic location: Xq23.
Variant type: single nucleotide variant.
Coding change: c.2915G>T on transcript NM_001099922.3 (MANE Select); coding-DNA position 2915, G replaced by T.
Protein change: p.Gly972Val; replaces glycine 972 with valine.
Molecular consequence: missense variant. On other transcripts: intron variant (5).
Genome position (GRCh38, 1-based): chrX:111,744,887, G>T. VCF-style: chrX-111744887-G-T. GRCh37 (hg19) VCF-style: chrX-110988115-G-T.
Other names: c.2681G>T, p.Gly894Val (NM_001257231.2); c.2384-7903G>T (NM_001257237.2, NM_001257234.2, NM_001257230.2); c.2210-7903G>T (NM_001324293.1); c.2696-7903G>T (NM_001324292.2); short protein forms G894V, G972V.
Identifiers: ClinVar variation 1184823 (VCV001184823.4), dbSNP rs2148407095, ClinGen allele CA414291773.